The following is an entry in ClinVar:

NM_024809.5(TCTN2):c.613G>T (p.Gly205Cys)

Gene: TCTN2 (tectonic family member 2; plus strand). Cytogenetic location: 12q24.31.
Variant type: single nucleotide variant.
Coding change: c.613G>T on transcript NM_024809.5 (MANE Select); coding-DNA position 613, G replaced by T.
Protein change: p.Gly205Cys; replaces glycine 205 with cysteine.
Molecular consequence: missense variant.
Genome position (GRCh38, 1-based): chr12:123,686,884, G>T. VCF-style: chr12-123686884-G-T. GRCh37 (hg19) VCF-style: chr12-124171431-G-T.
Other names: c.610G>T, p.Gly204Cys (NM_001143850.3); short protein forms G205C, G204C.
Identifiers: ClinVar variation 217702 (VCV000217702.15), dbSNP rs201827132, ClinGen allele CA210323.

ClinVar aggregate classification (germline): Conflicting classifications of pathogenicity. Review status: criteria provided, conflicting classifications (1 of 4 stars). 6 submissions from 6 submitters: Pathogenic (1); Likely pathogenic (1); Uncertain significance (4). Last evaluated 2026-09-13.

Conditions:
Joubert syndrome 24 (JBTS24). Identifiers: Orphanet 475, MedGen C4084841, MONDO:0014724, OMIM 616654.
Meckel syndrome, type 8. Identifiers: Orphanet 564, MedGen C3836857, MONDO:0013482, OMIM 613885.
Meckel-Gruber syndrome. Also called: DYSENCEPHALIA SPLANCHNOCYSTICA; Dysencephalia splachnocystica; GRUBER SYNDROME. Identifiers: Orphanet 564, MedGen C0265215, MONDO:0018921.
Joubert syndrome. Also called: Familial aplasia of the vermis; JOUBERT-BOLTSHAUSER SYNDROME. Identifiers: Orphanet 475, MedGen C5979921, MONDO:0018772.

Allele frequency attached by ClinVar (database versions not stated): ExAC 0.00008; ESP Exome Variant Server 0.00008; TOPMed 0.00008.

Submissions (6):

GeneDx
Classification: Uncertain significance. Last evaluated: 2026-09-13. Review status: criteria provided, single submitter. Criteria: GeneDx Variant Classification Process June 2021. Collection method: clinical testing. Allele origin: germline.
Comment: Reported previously in a patient with Joubert syndrome who also harbors the c.1626delT variant; unclear if parental segregation was performed in this patient (PMID: 26092869); Not observed at significant frequency in large population cohorts (gnomAD); In silico analysis supports that this missense variant has a deleterious effect on protein structure/function; This variant is associated with the following publications: (PMID: 31589614, 26092869, 28771248, 41317100)

Women's Health and Genetics/Laboratory Corporation of America, LabCorp
Classification: Uncertain significance. Last evaluated: 2026-04-15. Review status: criteria provided, single submitter. Criteria: LabCorp Variant Classification Summary - May 2015. Collection method: clinical testing. Allele origin: germline.
Comment: Variant summary: TCTN2 c.613G>T (p.Gly205Cys) results in a non-conservative amino acid change located in the Tectonic domain of the encoded protein sequence. Algorithms developed to predict the effect of missense changes on protein structure and function all suggest that this variant is likely to be disruptive. The variant allele was found at a frequency of 5.2e-05 in 251492 control chromosomes. This frequency is not significantly higher than estimated for disease-causing variants in TCTN2, allowing no conclusion about variant significance. c.613G>T has been observed in the compound heterozygous state in an individual affected with Joubert Syndrome (example: Bachmann-Gagescu_2015). These data do not allow any conclusion about variant significance. To our knowledge, no experimental evidence demonstrating an impact on protein function has been reported. The following publications have been ascertained in the context of this evaluation (PMID: 26092869, 28771248). ClinVar contains an entry for this variant (Variation ID: 217702). Based on the evidence outlined above, the variant was classified as uncertain significance.

Labcorp Genetics (formerly Invitae), Labcorp
Classification: Likely pathogenic for Joubert syndrome; Meckel-Gruber syndrome. Last evaluated: 2026-01-31. Review status: criteria provided, single submitter. Criteria: Invitae Variant Classification Sherloc (09022015). Collection method: clinical testing. Allele origin: germline.
Comment: This sequence change replaces glycine, which is neutral and non-polar, with cysteine, which is neutral and slightly polar, at codon 205 of the TCTN2 protein (p.Gly205Cys). This variant is present in population databases (rs201827132, gnomAD 0.01%). This missense change has been observed in individual(s) with Joubert syndrome (PMID: 26092869). ClinVar contains an entry for this variant (Variation ID: 217702). Invitae Evidence Modeling of protein sequence and biophysical properties (such as structural, functional, and spatial information, amino acid conservation, physicochemical variation, residue mobility, and thermodynamic stability) indicates that this missense variant is expected to disrupt TCTN2 protein function with a positive predictive value of 80%. In summary, the currently available evidence indicates that the variant is pathogenic, but additional data are needed to prove that conclusively. Therefore, this variant has been classified as Likely Pathogenic.

Blueprint Genetics
Classification: Uncertain significance. Last evaluated: 2024-11-05. Review status: criteria provided, single submitter. Criteria: ACMG Guidelines, 2015. Collection method: clinical testing. Allele origin: germline.

Fulgent Genetics
Classification: Uncertain significance for Meckel syndrome, type 8; Joubert syndrome 24. Last evaluated: 2024-04-25. Review status: criteria provided, single submitter. Criteria: ACMG Guidelines, 2015. Collection method: clinical testing. Allele origin: germline.

UW Hindbrain Malformation Research Program, University of Washington
Classification: Pathogenic for Joubert syndrome. Last evaluated: 2015-02-23. Review status: criteria provided, single submitter. Criteria: Bachmann-Gagescu et al. (J Med Genet. 2015). Collection method: research. Allele origin: unknown. Affected: yes.

Literature cited by the submitters: PubMed 26092869 (cited by Women's Health and Genetics/Laboratory Corporation of America, LabCorp and Labcorp Genetics (formerly Invitae), Labcorp); PubMed 28771248 (cited by Women's Health and Genetics/Laboratory Corporation of America, LabCorp).